The following is an entry in ClinVar:

ClinVar aggregate classification (germline): Uncertain significance (1 of 4 stars; one submission).

Allele frequency attached by ClinVar (database versions not stated): gnomAD exomes below 0.00001; TOPMed below 0.00001.
gnomAD v4.1: 3 of 1,606,390 alleles (0.00019%); highest among the groups gnomAD compares: South Asian, 0.0011%; no homozygotes.

Submission:

GeneDx
Classification: Uncertain significance. Last evaluated: 2025-03-05. Review status: criteria provided, single submitter. Criteria: GeneDx Variant Classification Process June 2021. Collection method: clinical testing. Allele origin: germline. Affected: yes.
Comment: In silico analysis supports that this missense variant has a deleterious effect on protein structure/function; Has not been previously published as a pathogenic or benign germline variant to our knowledge; This variant is associated with the following publications: (PMID: 39528729, Zhu2017[abstract])

NM_022552.5(DNMT3A):c.547C>T (p.Arg183Trp)

Gene: DNMT3A (DNA methyltransferase 3 alpha; minus strand). Cytogenetic location: 2p23.3.
Variant type: single nucleotide variant.
Coding change: c.547C>T on transcript NM_022552.5 (MANE Select); coding-DNA position 547, C replaced by T.
Protein change: p.Arg183Trp; replaces arginine 183 with tryptophan.
Molecular consequence: missense variant. On other transcripts: non-coding transcript variant (1).
Genome position (GRCh38, 1-based): chr2:25,275,033, G>A on the plus strand (C>T on the coding strand, the complement: DNMT3A is on the minus strand). VCF-style: chr2-25275033-G-A. GRCh37 (hg19) VCF-style: chr2-25497902-G-A.
Other names: c.547C>T, p.Arg183Trp (NM_175629.2); short protein forms R183W.
Identifiers: ClinVar variation 2572932 (VCV002572932.2), dbSNP rs1311728146, ClinGen allele CA346083064.
Genomic context (GRCh38, chr2:25,275,033, plus strand): 5'-GCTTGCGCTTGCTGATGTAGTAGGGGTCCCCCGCCTGGAAGGTGAGCCTCGGCATGGGCC[G>A]CTGACGGAGGCTGGACTCCCAGCCCAAGCCACCCCGCAGCCGGCCCCGGGAGCCCTAGGA-3'
Protein context (NP_072046.2, residues 173-193): GLGWESSLRQ[Arg183Trp]PMPRLTFQAG